The following is an entry in ClinVar:

ClinVar aggregate classification (germline): Uncertain significance (1 of 4 stars; one submission).

Conditions:
Catecholaminergic polymorphic ventricular tachycardia 1. Also called: RYR2-Related Catecholaminergic Polymorphic Ventricular Tachycardia; VENTRICULAR TACHYCARDIA, CATECHOLAMINERGIC POLYMORPHIC, 1, WITH OR WITHOUT ATRIAL DYSFUNCTION AND/OR DILATED CARDIOMYOPATHY; VENTRICULAR TACHYCARDIA, STRESS-INDUCED POLYMORPHIC 1. Identifiers: Orphanet 3286, MedGen C1631597, MONDO:0011484, OMIM 604772.

Allele frequency attached by ClinVar (database versions not stated): gnomAD exomes below 0.00001.
gnomAD v4.1: 2 of 1,612,758 alleles (0.00012%); highest among the groups gnomAD compares: Non-Finnish European, 0.00017%; no homozygotes.

Submission:

Labcorp Genetics (formerly Invitae), Labcorp
Classification: Uncertain significance for Catecholaminergic polymorphic ventricular tachycardia 1. Last evaluated: 2022-04-13. Review status: criteria provided, single submitter. Criteria: Invitae Variant Classification Sherloc (09022015). Collection method: clinical testing. Allele origin: germline.
Comment: In summary, the available evidence is currently insufficient to determine the role of this variant in disease. Therefore, it has been classified as a Variant of Uncertain Significance. Algorithms developed to predict the effect of sequence changes on RNA splicing suggest that this variant may disrupt the consensus splice site. This variant has not been reported in the literature in individuals affected with TRDN-related conditions. This variant is not present in population databases (gnomAD no frequency). This sequence change falls in intron 19 of the TRDN gene. It does not directly change the encoded amino acid sequence of the TRDN protein.

NM_006073.4(TRDN):c.1274-8A>G

Gene: TRDN (triadin; minus strand). Cytogenetic location: 6q22.31.
Variant type: single nucleotide variant.
Coding change: c.1274-8A>G on transcript NM_006073.4 (MANE Select); 8 bases into the intron before coding-DNA position 1274, A replaced by G.
Molecular consequence: intron variant.
Genome position (GRCh38, 1-based): chr6:123,366,190, T>C on the plus strand (A>G on the coding strand, the complement: TRDN is on the minus strand). VCF-style: chr6-123366190-T-C. GRCh37 (hg19) VCF-style: chr6-123687335-T-C.
Other names: c.1277-8A>G (NM_001251987.2).
Identifiers: ClinVar variation 1975727 (VCV001975727.5), dbSNP rs2533805580, ClinGen allele CA2580074853.